The following is an entry in ClinVar:

ClinVar aggregate classification (germline): Uncertain significance (1 of 4 stars; one submission).

Submission:

Labcorp Genetics (formerly Invitae), Labcorp
Classification: Uncertain significance. Last evaluated: 2022-02-21. Review status: criteria provided, single submitter. Criteria: Invitae Variant Classification Sherloc (09022015). Collection method: clinical testing. Allele origin: germline.
Comment: Algorithms developed to predict the effect of missense changes on protein structure and function output the following: SIFT: "Tolerated"; PolyPhen-2: "Not Available"; Align-GVGD: "Class C0". The aspartic acid amino acid residue is found in multiple mammalian species, which suggests that this missense change does not adversely affect protein function. This sequence change replaces glutamic acid, which is acidic and polar, with aspartic acid, which is acidic and polar, at codon 2242 of the PCLO protein (p.Glu2242Asp). This variant is not present in population databases (gnomAD no frequency). This variant has not been reported in the literature in individuals affected with PCLO-related conditions. In summary, the available evidence is currently insufficient to determine the role of this variant in disease. Therefore, it has been classified as a Variant of Uncertain Significance.

NM_033026.6(PCLO):c.6726A>C (p.Glu2242Asp)

Gene: PCLO (piccolo presynaptic cytomatrix protein; minus strand). Cytogenetic location: 7q21.11.
Variant type: single nucleotide variant.
Coding change: c.6726A>C on transcript NM_033026.6 (MANE Select); coding-DNA position 6726, A replaced by C.
Protein change: p.Glu2242Asp; replaces glutamic acid 2242 with aspartic acid.
Molecular consequence: missense variant.
Genome position (GRCh38, 1-based): chr7:82,954,227, T>G on the plus strand (A>C on the coding strand, the complement: PCLO is on the minus strand). VCF-style: chr7-82954227-T-G. GRCh37 (hg19) VCF-style: chr7-82583543-T-G.
Other names: c.6726A>C, p.Glu2242Asp (NM_014510.3); short protein forms E2242D.
Identifiers: ClinVar variation 2101003 (VCV002101003.4), dbSNP rs2535701037, ClinGen allele CA367918475.